The following is an entry in ClinVar:

ClinVar aggregate classification (germline): Pathogenic (1 of 4 stars; one submission).

Conditions:
Neuropathy, hereditary motor and sensory, type 6B (HMSN6B). Also called: Neuropathy, hereditary motor and sensory, type VIB; HMSN VIB; CHARCOT-MARIE-TOOTH DISEASE, TYPE 6B; NEUROPATHY, HEREDITARY MOTOR AND SENSORY, TYPE VIB, WITH OPTIC ATROPHY. Identifiers: MedGen C4225302, MONDO:0014671, OMIM 616505.

Submission:

Labcorp Genetics (formerly Invitae), Labcorp
Classification: Pathogenic for Neuropathy, hereditary motor and sensory, type 6B. Last evaluated: 2022-06-08. Review status: criteria provided, single submitter. Criteria: Invitae Variant Classification Sherloc (09022015). Collection method: clinical testing. Allele origin: germline.
Comment: A gross deletion of the genomic region encompassing the full coding sequence of the SLC25A46 gene has been identified. Loss-of-function variants in SLC25A46 are known to be pathogenic (PMID: 26168012, 26951855, 27543974). The boundaries of this event are unknown as they extend beyond the assayed region for this gene and therefore may encompass additional genes. This variant has not been reported in the literature in individuals affected with SLC25A46-related conditions. ClinVar contains an entry for this variant (Variation ID: 937658). For these reasons, this variant has been classified as Pathogenic.

Literature cited by the submitters: PubMed 26168012; PubMed 26951855; PubMed 27543974.

NC_000005.9:g.(?_110074821)_(110097482_?)del

Gene: SLC25A46 (solute carrier family 25 member 46; plus strand). Cytogenetic location: 5q22.1.
Variant type: Deletion.
Identifiers: ClinVar variation 2427269 (VCV002427269.5).